The following is an entry in ClinVar:

NM_001037.5(SCN1B):c.448+192C>T

Gene: SCN1B (sodium voltage-gated channel beta subunit 1; plus strand). Cytogenetic location: 19q13.11.
Variant type: single nucleotide variant.
Coding change: c.448+192C>T on transcript NM_001037.5 (MANE Select); 192 bases into the intron after coding-DNA position 448, C replaced by T.
Molecular consequence: intron variant. On other transcripts: missense variant (1).
Genome position (GRCh38, 1-based): chr19:35,033,931, C>T. VCF-style: chr19-35033931-C-T. GRCh37 (hg19) VCF-style: chr19-35524835-C-T.
Other names: c.640C>T, p.Arg214Trp (NM_199037.5); c.349+192C>T (NM_001321605.2); short protein forms R214W.
Identifiers: ClinVar variation 470182 (VCV000470182.12), dbSNP rs72558027, ClinGen allele CA307703773.

ClinVar aggregate classification (germline): Uncertain significance. Review status: criteria provided, multiple submitters, no conflicts (2 of 4 stars). 3 submissions from 3 submitters: Uncertain significance (3). Last evaluated 2025-08-10.

Conditions:
Developmental and epileptic encephalopathy, 52 (DEE52). Also called: Epileptic encephalopathy, early infantile, 52. Identifiers: MedGen C4479236, MONDO:0033361, OMIM 617350.
Generalized epilepsy with febrile seizures plus, type 1 (GEFSP1). Also called: GEFS+, TYPE 1. Identifiers: Orphanet 36387, MedGen C1858672, MONDO:0011416, OMIM 604233.
Atrial fibrillation, familial, 13 (ATFB13). Identifiers: MedGen C3809311, MONDO:0014155, OMIM 615377.
Brugada syndrome 5 (BRGDA5). Identifiers: Orphanet 130, Orphanet 871, MedGen C2748541, MONDO:0013015, OMIM 612838.

Allele frequency attached by ClinVar (database versions not stated): gnomAD 0.00001; TOPMed 0.00001.
gnomAD v4.1: 53 of 1,560,090 alleles (0.0034%); highest among the groups gnomAD compares: Middle Eastern, 0.017%; no homozygotes.

Submissions (3):

Labcorp Genetics (formerly Invitae), Labcorp
Classification: Uncertain significance for Brugada syndrome 5. Last evaluated: 2025-08-10. Review status: criteria provided, single submitter. Criteria: Invitae Variant Classification Sherloc (09022015). Collection method: clinical testing. Allele origin: germline.
Comment: This sequence change replaces arginine, which is basic and polar, with tryptophan, which is neutral and slightly polar, at codon 214 of the SCN1B protein (p.Arg214Trp). This variant is not present in population databases (gnomAD no frequency). This variant has not been reported in the literature in individuals affected with SCN1B-related conditions. ClinVar contains an entry for this variant (Variation ID: 470182). An algorithm developed to predict the effect of missense changes on protein structure and function outputs the following: PolyPhen-2: "Possibly Damaging". The tryptophan amino acid residue is found in multiple mammalian species, which suggests that this missense change does not adversely affect protein function. In summary, the available evidence is currently insufficient to determine the role of this variant in disease. Therefore, it has been classified as a Variant of Uncertain Significance.

Fulgent Genetics
Classification: Uncertain significance for Generalized epilepsy with febrile seizures plus, type 1; Brugada syndrome 5; Atrial fibrillation, familial, 13; Developmental and epileptic encephalopathy, 52. Last evaluated: 2021-09-15. Review status: criteria provided, single submitter. Criteria: ACMG Guidelines, 2015. Collection method: clinical testing. Allele origin: unknown.

GeneDx
Classification: Uncertain significance. Last evaluated: 2019-07-05. Review status: criteria provided, single submitter. Criteria: GeneDx Variant Classification Process June 2021. Collection method: clinical testing. Allele origin: germline. Affected: yes.
Comment: Has not been previously published as pathogenic or benign to our knowledge; Reported in ClinVar but additional evidence is not available (ClinVar Variant ID# 470182; Landrum et al., 2016); Not observed in large population cohorts (Lek et al., 2016); In silico analysis, which includes splice predictors and evolutionary conservation, supports that this variant does not alter protein structure/function